The following is an entry in ClinVar:

ClinVar aggregate classification (germline): Pathogenic (1 of 4 stars; one submission).

Conditions:
Autosomal dominant hypocalcemia 1 (HYPOC1). Also called: HYPOCALCEMIA, FAMILIAL. Identifiers: MedGen C3715128, MONDO:0011013, OMIM 601198.
Familial hypocalciuric hypercalcemia (FHH). Also called: Familial benign hypercalcemia. Identifiers: Orphanet 405, MedGen C1809471, MONDO:0018458.

Submission:

Labcorp Genetics (formerly Invitae), Labcorp
Classification: Pathogenic for Familial hypocalciuric hypercalcemia; Autosomal dominant hypocalcemia 1. Last evaluated: 2023-10-27. Review status: criteria provided, single submitter. Criteria: Invitae Variant Classification Sherloc (09022015). Collection method: clinical testing. Allele origin: germline.
Comment: This sequence change creates a premature translational stop signal (p.Ala430Serfs*27) in the CASR gene. It is expected to result in an absent or disrupted protein product. Loss-of-function variants in CASR are known to be pathogenic (PMID: 11807402, 14985373, 22422767). This variant is not present in population databases (gnomAD no frequency). This variant has not been reported in the literature in individuals affected with CASR-related conditions. For these reasons, this variant has been classified as Pathogenic.

Literature cited by the submitters: PubMed 11807402; PubMed 14985373; PubMed 22422767.

NM_000388.4(CASR):c.1287_1288insA (p.Ala430fs)

Gene: CASR (calcium sensing receptor; plus strand). Cytogenetic location: 3q21.1.
Variant type: Insertion.
Coding change: c.1287_1288insA on transcript NM_000388.4 (MANE Select); coding-DNA positions 1287 to 1288, A inserted.
Protein change: p.Ala430fs; shifts the reading frame from alanine 430.
Molecular consequence: frameshift variant.
Genome position: GRCh38 VCF-style: chr3-122262322-C-CA. GRCh37 (hg19) VCF-style: chr3-121981169-C-CA.
Other names: c.1287_1288insA, p.Ala430fs (NM_001178065.2); short protein forms A430fs.
Identifiers: ClinVar variation 2952491 (VCV002952491.3), dbSNP rs2473228958, ClinGen allele CA2740094567.